The following is an entry in ClinVar:

NM_003072.5(SMARCA4):c.3215+1G>A

Gene: SMARCA4 (SWI/SNF related BAF chromatin remodeling complex subunit ATPase 4; plus strand). Cytogenetic location: 19p13.2.
Variant type: single nucleotide variant.
Coding change: c.3215+1G>A on transcript NM_003072.5 (MANE Select); the canonical splice donor site of the intron after coding-DNA position 3215, G replaced by A.
Molecular consequence: splice donor variant.
Genome position (GRCh38, 1-based): chr19:11,026,347, G>A. VCF-style: chr19-11026347-G-A. GRCh37 (hg19) VCF-style: chr19-11137023-G-A.
Other names: c.3215+1G>A (NM_001128844.3, NM_001128849.3, NM_001128847.4 and 6 more transcripts).
Identifiers: ClinVar variation 4864748 (VCV004864748.1).

ClinVar aggregate classification (germline): Likely pathogenic (1 of 4 stars; one submission).

Conditions:
Hereditary cancer-predisposing syndrome. Also called: Neoplastic Syndromes, Hereditary; Tumor predisposition; Hereditary Cancer Syndrome; Hereditary neoplastic syndrome. Identifiers: Orphanet 140162, MedGen C0027672, MeSH D009386, MONDO:0015356.

Submission:

Ambry Genetics
Classification: Likely pathogenic for Hereditary cancer-predisposing syndrome. Last evaluated: 2026-04-22. Review status: criteria provided, single submitter. Criteria: Ambry Variant Classification Scheme 2023. Collection method: clinical testing. Allele origin: germline.
Comment: The c.3215+1G>A intronic variant results from a G to A substitution one nucleotide after coding exon 22 of the SMARCA4 gene. Alterations that disrupt the canonical splice site are expected to cause aberrant splicing, resulting in an abnormal protein or a transcript that is subject to nonsense-mediated mRNA decay. In silico splice site analysis predicts that this alteration will weaken the native splice donor site. RNA studies have demonstrated that this variant results in abnormal splicing in the set of samples tested (Ambry internal data). This nucleotide position is highly conserved in available vertebrate species. Loss-of-function variants in SMARCA4 are known to cause rhabdoid tumor predisposition syndrome including small cell carcinoma of the ovary-hypercalcemic type (SCCOHT); however, such associations with neurodevelopmental disorders are exceedingly rare (Kosho T et al. Am J Med Genet C Semin Med Genet. 2014 Sep;166C(3):262-75; Jelinic P et al. Nat Genet. 2014 May;46(5):424-6). Based on the supporting evidence, this alteration is likely pathogenic for rhabdoid tumor predisposition syndrome; however, the association of this alteration with Coffin-Siris syndrome is unlikely.